The following is an entry in ClinVar:

NM_001723.7(DST):c.5263C>T (p.Arg1755Trp)

Gene: DST (dystonin; minus strand). Cytogenetic location: 6p12.1.
Variant type: single nucleotide variant.
Coding change: c.5263C>T on transcript NM_001723.7 (MANE Plus Clinical); coding-DNA position 5263, C replaced by T.
Protein change: p.Arg1755Trp; replaces arginine 1755 with tryptophan.
Molecular consequence: missense variant. On other transcripts: intron variant (10).
Genome position (GRCh38, 1-based): chr6:56,618,771, G>A on the plus strand (C>T on the coding strand, the complement: DST is on the minus strand). VCF-style: chr6-56618771-G-A. GRCh37 (hg19) VCF-style: chr6-56483569-G-A.
Other names: c.4831-4287C>T (NM_001144769.5); c.4930-4287C>T (NM_001374722.1, NM_001374736.1); c.4957-4287C>T (NM_001374734.1); c.4417-4287C>T (NM_001144770.2); c.4297-4287C>T (NM_001374730.1, NM_001386100.1, NM_183380.4 and 1 more transcripts); c.3319-4287C>T (NM_015548.5); short protein forms R1755W.
Identifiers: ClinVar variation 474531 (VCV000474531.8), dbSNP rs775020057, ClinGen allele CA3870394.
Genomic context (GRCh38, chr6:56,618,771, plus strand): 5'-TGCCTGAAATATCATTTTCAGTGATGACTTTGGACTCCATTAATTTTTCCATCTTCTTCC[G>A]AAACTCCTCTGCTGATTGTTTGAATTTACCAGATTCTTCCTGAAACAGAACCATCTTTCT-3'
Protein context (NP_001714.1, residues 1745-1765): GKFKQSAEEF[Arg1755Trp]KKMEKLMESK

ClinVar aggregate classification (germline): Uncertain significance (1 of 4 stars; one submission).

Conditions:
Hereditary sensory and autonomic neuropathy type 6. Also called: HSAN VI; Neuropathy, hereditary sensory and autonomic, type VI. Identifiers: Orphanet 314381, MedGen C3539003, MONDO:0013839, OMIM 614653.
Epidermolysis bullosa simplex 3, localized or generalized intermediate, with BP230 deficiency (EBS3). Also called: Epidermolysis bullosa simplex, autosomal recessive 2; Epidermolysis bullosa simplex due to BP230 deficiency. Identifiers: Orphanet 412181, MedGen C3809470, MONDO:0014180, OMIM 615425.

Allele frequency attached by ClinVar (database versions not stated): ExAC 0.00001; gnomAD exomes 0.00001; TOPMed 0.00001.

Submission:

Labcorp Genetics (formerly Invitae), Labcorp
Classification: Uncertain significance for Epidermolysis bullosa simplex 3, localized or generalized intermediate, with BP230 deficiency; Hereditary sensory and autonomic neuropathy type 6. Last evaluated: 2024-10-14. Review status: criteria provided, single submitter. Criteria: Invitae Variant Classification Sherloc (09022015). Collection method: clinical testing. Allele origin: germline.
Comment: This sequence change replaces arginine, which is basic and polar, with tryptophan, which is neutral and slightly polar, at codon 1755 of the DST protein (p.Arg1755Trp). This variant is present in population databases (rs775020057, gnomAD 0.0009%). This variant has not been reported in the literature in individuals affected with DST-related conditions. ClinVar contains an entry for this variant (Variation ID: 474531). An algorithm developed to predict the effect of missense changes on protein structure and function (PolyPhen-2) suggests that this variant is likely to be disruptive. In summary, the available evidence is currently insufficient to determine the role of this variant in disease. Therefore, it has been classified as a Variant of Uncertain Significance.